The following is an entry in ClinVar:

NM_152419.3(HGSNAT):c.762G>A (p.Met254Ile)

Gene: HGSNAT (heparan-alpha-glucosaminide N-acetyltransferase; plus strand). Cytogenetic location: 8p11.21.
Variant type: single nucleotide variant.
Coding change: c.762G>A on transcript NM_152419.3 (MANE Select); coding-DNA position 762, G replaced by A.
Protein change: p.Met254Ile; replaces methionine 254 with isoleucine.
Molecular consequence: missense variant. On other transcripts: 5 prime UTR variant (1).
Genome position (GRCh38, 1-based): chr8:43,172,328, G>A. VCF-style: chr8-43172328-G-A. GRCh37 (hg19) VCF-style: chr8-43027471-G-A.
Other names: c.762G>A, p.Met254Ile (NM_001363227.2, NM_001363228.2); c.-72G>A (NM_001363229.2); c.762G>A (NM_152419.2); short protein forms M254I.
Identifiers: ClinVar variation 1488100 (VCV001488100.6), dbSNP rs751701983, ClinGen allele CA4736624.

ClinVar aggregate classification (germline): Uncertain significance. Review status: criteria provided, multiple submitters, no conflicts (2 of 4 stars). 2 submissions from 2 submitters: Uncertain significance (2). Last evaluated 2025-10-02.

Conditions:
Mucopolysaccharidosis, MPS-III-C (MPS3C). Also called: SANFILIPPO SYNDROME C; MPS III C; MPS IIIC (Sanfilippo Syndrome Type C); MUCOPOLYSACCHARIDOSIS, TYPE IIIC; Mucopolysaccharidosis type IIIC (Sanfilippo C); mucopolysaccharidosis type 3C. Identifiers: Orphanet 581, Orphanet 79271, MedGen C0086649, MONDO:0009657, OMIM 252930.
Retinitis pigmentosa 73 (RP73). Identifiers: Orphanet 791, MedGen C4225287, MONDO:0014687, OMIM 616544.
Inborn genetic diseases. Identifiers: MedGen C0950123, MeSH D030342.

Allele frequency attached by ClinVar (database versions not stated): ExAC 0.00001; gnomAD 0.00001; gnomAD exomes 0.00001 and below 0.00001; TOPMed 0.00001.

Submissions (2):

Ambry Genetics
Classification: Uncertain significance for Inborn genetic diseases. Last evaluated: 2025-10-02. Review status: criteria provided, single submitter. Criteria: Ambry Variant Classification Scheme 2023. Collection method: clinical testing. Allele origin: germline.

Labcorp Genetics (formerly Invitae), Labcorp
Classification: Uncertain significance for Retinitis pigmentosa 73; Mucopolysaccharidosis, MPS-III-C. Last evaluated: 2022-08-07. Review status: criteria provided, single submitter. Criteria: Invitae Variant Classification Sherloc (09022015). Collection method: clinical testing. Allele origin: germline.
Comment: This sequence change replaces methionine, which is neutral and non-polar, with isoleucine, which is neutral and non-polar, at codon 254 of the HGSNAT protein (p.Met254Ile). This variant is present in population databases (rs751701983, gnomAD 0.008%). This missense change has been observed in individual(s) with retinitis pigmentosa (Invitae). ClinVar contains an entry for this variant (Variation ID: 1488100). Advanced modeling of protein sequence and biophysical properties (such as structural, functional, and spatial information, amino acid conservation, physicochemical variation, residue mobility, and thermodynamic stability) performed at Invitae indicates that this missense variant is expected to disrupt HGSNAT protein function. Algorithms developed to predict the effect of sequence changes on RNA splicing suggest that this variant may create or strengthen a splice site. In summary, the available evidence is currently insufficient to determine the role of this variant in disease. Therefore, it has been classified as a Variant of Uncertain Significance.